The following is an entry in ClinVar:

NM_001378452.1(ITPR1):c.2468G>C (p.Ser823Thr)

Gene: ITPR1 (inositol 1,4,5-trisphosphate receptor type 1; plus strand). Cytogenetic location: 3p26.1.
Variant type: single nucleotide variant.
Coding change: c.2468G>C on transcript NM_001378452.1 (MANE Select); coding-DNA position 2468, G replaced by C.
Protein change: p.Ser823Thr; replaces serine 823 with threonine.
Molecular consequence: missense variant.
Genome position (GRCh38, 1-based): chr3:4,674,213, G>C. VCF-style: chr3-4674213-G-C. GRCh37 (hg19) VCF-style: chr3-4715897-G-C.
Other names: c.2468G>C, p.Ser823Thr (NM_001099952.4); c.2423G>C, p.Ser808Thr (NM_001168272.2, NM_002222.7); short protein forms S808T, S823T.
Identifiers: ClinVar variation 2098349 (VCV002098349.4), dbSNP rs2094142409, ClinGen allele CA351647788.

ClinVar aggregate classification (germline): Uncertain significance (1 of 4 stars; one submission).

Allele frequency attached by ClinVar (database versions not stated): TOPMed below 0.00001.

Submission:

Labcorp Genetics (formerly Invitae), Labcorp
Classification: Uncertain significance. Last evaluated: 2025-11-07. Review status: criteria provided, single submitter. Criteria: Invitae Variant Classification Sherloc (09022015). Collection method: clinical testing. Allele origin: germline.
Comment: This sequence change replaces serine, which is neutral and polar, with threonine, which is neutral and polar, at codon 808 of the ITPR1 protein (p.Ser808Thr). This variant is not present in population databases (gnomAD no frequency). This variant has not been reported in the literature in individuals affected with ITPR1-related conditions. ClinVar contains an entry for this variant (Variation ID: 2098349). Invitae Evidence Modeling of protein sequence and biophysical properties (such as structural, functional, and spatial information, amino acid conservation, physicochemical variation, residue mobility, and thermodynamic stability) indicates that this missense variant is not expected to disrupt ITPR1 protein function with a negative predictive value of 95%. In summary, the available evidence is currently insufficient to determine the role of this variant in disease. Therefore, it has been classified as a Variant of Uncertain Significance.